The following is an entry in ClinVar:

NM_001270974.2(HYDIN):c.12777C>T (p.Ile4259=)

Gene: HYDIN (HYDIN axonemal central pair apparatus protein; minus strand). Cytogenetic location: 16q22.2.
Variant type: single nucleotide variant.
Coding change: c.12777C>T on transcript NM_001270974.2 (MANE Select); coding-DNA position 12777, C replaced by T.
Protein change: p.Ile4259=; no amino-acid change (isoleucine 4259 retained).
Molecular consequence: synonymous variant.
Genome position (GRCh38, 1-based): chr16:70,849,822, G>A on the plus strand (C>T on the coding strand, the complement: HYDIN is on the minus strand). VCF-style: chr16-70849822-G-A. GRCh37 (hg19) VCF-style: chr16-70883725-G-A.
Identifiers: ClinVar variation 3905099 (VCV003905099.10).

ClinVar aggregate classification (germline): Likely benign (1 of 4 stars; one submission).

gnomAD v4.1: 14 of 848,926 alleles (0.0016%); highest among the groups gnomAD compares: Non-Finnish European, 0.0025%; no homozygotes.

Submission:

CeGaT Center for Human Genetics Tuebingen
Classification: Likely benign. Last evaluated: 2025-10-01. Review status: criteria provided, single submitter. Criteria: CeGaT Center For Human Genetics Tuebingen Variant Classification Criteria Version 2. Collection method: clinical testing. Allele origin: germline. Affected: yes. Observed: 2 variant alleles.
Comment: HYDIN: BP4, BP7